The following is an entry in ClinVar:

NM_018127.7(ELAC2):c.2434C>T (p.Arg812Trp)

Gene: ELAC2 (elaC ribonuclease Z 2; minus strand). Cytogenetic location: 17p12.
Variant type: single nucleotide variant.
Coding change: c.2434C>T on transcript NM_018127.7 (MANE Select); coding-DNA position 2434, C replaced by T.
Protein change: p.Arg812Trp; replaces arginine 812 with tryptophan.
Molecular consequence: missense variant.
Genome position (GRCh38, 1-based): chr17:12,992,865, G>A on the plus strand (C>T on the coding strand, the complement: ELAC2 is on the minus strand). VCF-style: chr17-12992865-G-A. GRCh37 (hg19) VCF-style: chr17-12896182-G-A.
Other names: c.2314C>T, p.Arg772Trp (NM_001165962.2); c.2431C>T, p.Arg811Trp (NM_173717.2); short protein forms R811W, R772W, R812W.
Identifiers: ClinVar variation 1504125 (VCV001504125.6), dbSNP rs767611235, ClinGen allele CA8400795.

ClinVar aggregate classification (germline): Uncertain significance. Review status: criteria provided, multiple submitters, no conflicts (2 of 4 stars). 3 submissions from 3 submitters: Uncertain significance (3). Last evaluated 2023-09-10.

Conditions:
Combined oxidative phosphorylation defect type 17. Also called: Combined oxidative phosphorylation deficiency 17. Identifiers: Orphanet 369913, MedGen C3809526, MONDO:0014190, OMIM 615440.
Inborn genetic diseases. Identifiers: MedGen C0950123, MeSH D030342.

Allele frequency attached by ClinVar (database versions not stated): ExAC 0.00001; gnomAD exomes 0.00002; TOPMed 0.00002.
gnomAD v4.1: 38 of 1,613,344 alleles (0.0024%); highest among the groups gnomAD compares: Middle Eastern, 0.033%; no homozygotes.

Submissions (3):

Labcorp Genetics (formerly Invitae), Labcorp
Classification: Uncertain significance for Combined oxidative phosphorylation defect type 17. Last evaluated: 2023-09-10. Review status: criteria provided, single submitter. Criteria: Invitae Variant Classification Sherloc (09022015). Collection method: clinical testing. Allele origin: germline.
Comment: This sequence change replaces arginine, which is basic and polar, with tryptophan, which is neutral and slightly polar, at codon 812 of the ELAC2 protein (p.Arg812Trp). This variant is present in population databases (rs767611235, gnomAD 0.006%). This variant has not been reported in the literature in individuals affected with ELAC2-related conditions. ClinVar contains an entry for this variant (Variation ID: 1504125). An algorithm developed to predict the effect of missense changes on protein structure and function (PolyPhen-2) suggests that this variant is likely to be disruptive. In summary, the available evidence is currently insufficient to determine the role of this variant in disease. Therefore, it has been classified as a Variant of Uncertain Significance.

GeneDx
Classification: Uncertain significance. Last evaluated: 2022-11-21. Review status: criteria provided, single submitter. Criteria: GeneDx Variant Classification Process June 2021. Collection method: clinical testing. Allele origin: germline. Affected: yes.
Comment: Not observed at significant frequency in large population cohorts (gnomAD); In silico analysis supports that this missense variant does not alter protein structure/function; Has not been previously published as pathogenic or benign to our knowledge

Ambry Genetics
Classification: Uncertain significance for Inborn genetic diseases. Last evaluated: 2021-09-16. Review status: criteria provided, single submitter. Criteria: Ambry Variant Classification Scheme 2023. Collection method: clinical testing. Allele origin: germline.